The following is an entry in ClinVar:

NM_004655.4(AXIN2):c.269A>G (p.Asp90Gly)

Gene: AXIN2 (axin 2; minus strand). Cytogenetic location: 17q24.1.
Variant type: single nucleotide variant.
Coding change: c.269A>G on transcript NM_004655.4 (MANE Select); coding-DNA position 269, A replaced by G.
Protein change: p.Asp90Gly; replaces aspartic acid 90 with glycine.
Molecular consequence: missense variant.
Genome position (GRCh38, 1-based): chr17:65,558,352, T>C on the plus strand (A>G on the coding strand, the complement: AXIN2 is on the minus strand). VCF-style: chr17-65558352-T-C. GRCh37 (hg19) VCF-style: chr17-63554470-T-C.
Other names: c.269A>G, p.Asp90Gly (NM_001363813.1); short protein forms D90G.
Identifiers: ClinVar variation 1509222 (VCV001509222.8), dbSNP rs2144588871, ClinGen allele CA400681771.

ClinVar aggregate classification (germline): Uncertain significance (1 of 4 stars; one submission).

Conditions:
Oligodontia-cancer predisposition syndrome. Also called: TOOTH AGENESIS-COLORECTAL CANCER SYNDROME. Identifiers: Orphanet 300576, MedGen C1837750, MONDO:0012075, OMIM 608615. Disease mechanism: loss of function.

Submission:

Labcorp Genetics (formerly Invitae), Labcorp
Classification: Uncertain significance for Oligodontia-cancer predisposition syndrome. Last evaluated: 2021-07-11. Review status: criteria provided, single submitter. Criteria: Invitae Variant Classification Sherloc (09022015). Collection method: clinical testing. Allele origin: germline.
Comment: In summary, the available evidence is currently insufficient to determine the role of this variant in disease. Therefore, it has been classified as a Variant of Uncertain Significance. Algorithms developed to predict the effect of missense changes on protein structure and function are either unavailable or do not agree on the potential impact of this missense change (SIFT: "Deleterious"; PolyPhen-2: "Probably Damaging"; Align-GVGD: "Class C15"). This variant has not been reported in the literature in individuals affected with AXIN2-related conditions. This variant is not present in population databases (ExAC no frequency). This sequence change replaces aspartic acid with glycine at codon 90 of the AXIN2 protein (p.Asp90Gly). The aspartic acid residue is highly conserved and there is a moderate physicochemical difference between aspartic acid and glycine.